The following is an entry in ClinVar:

NM_016579.4(CD320):c.310C>T (p.Pro104Ser)

Gene: CD320 (CD320 molecule; minus strand). Cytogenetic location: 19p13.2.
Variant type: single nucleotide variant.
Coding change: c.310C>T on transcript NM_016579.4 (MANE Select); coding-DNA position 310, C replaced by T.
Protein change: p.Pro104Ser; replaces proline 104 with serine.
Molecular consequence: missense variant.
Genome position (GRCh38, 1-based): chr19:8,304,047, G>A on the plus strand (C>T on the coding strand, the complement: CD320 is on the minus strand). VCF-style: chr19-8304047-G-A. GRCh37 (hg19) VCF-style: chr19-8368931-G-A.
Other names: c.184C>T, p.Pro62Ser (NM_001165895.2); short protein forms P62S, P104S.
Identifiers: ClinVar variation 3488049 (VCV003488049.2).

ClinVar aggregate classification (germline): Uncertain significance. Review status: criteria provided, multiple submitters, no conflicts (2 of 4 stars). 2 submissions from 2 submitters: Uncertain significance (2). Last evaluated 2025-07-24.

Conditions:
Methylmalonic acidemia due to transcobalamin receptor defect (MATR). Also called: METHYLMALONIC ACIDURIA, TRANSIENT, DUE TO TRANSCOBALAMIN RECEPTOR DEFECT; METHYLMALONIC ACIDEMIA, TCblR TYPE. Identifiers: Orphanet 280183, MedGen C4749905, MONDO:0013341, OMIM 613646.

Submissions (2):

Labcorp Genetics (formerly Invitae), Labcorp
Classification: Uncertain significance for Methylmalonic acidemia due to transcobalamin receptor defect. Last evaluated: 2025-07-24. Review status: criteria provided, single submitter. Criteria: Invitae Variant Classification Sherloc (09022015). Collection method: clinical testing. Allele origin: germline.
Comment: This sequence change replaces proline, which is neutral and non-polar, with serine, which is neutral and polar, at codon 104 of the CD320 protein (p.Pro104Ser). The frequency data for this variant in the population databases is considered unreliable, as metrics indicate poor data quality at this position in the gnomAD database. This variant has not been reported in the literature in individuals affected with CD320-related conditions. ClinVar contains an entry for this variant (Variation ID: 3488049). An algorithm developed to predict the effect of missense changes on protein structure and function outputs the following: PolyPhen-2: "Benign". The serine amino acid residue is found in multiple mammalian species, which suggests that this missense change does not adversely affect protein function. In summary, the available evidence is currently insufficient to determine the role of this variant in disease. Therefore, it has been classified as a Variant of Uncertain Significance.

Ambry Genetics
Classification: Uncertain significance. Last evaluated: 2024-07-07. Review status: criteria provided, single submitter. Criteria: Ambry Variant Classification Scheme 2023. Collection method: clinical testing. Allele origin: germline.